The following is an entry in ClinVar:

ClinVar aggregate classification (germline): Uncertain significance (1 of 4 stars; one submission).

Allele frequency attached by ClinVar (database versions not stated): gnomAD 0.00004 and 0.00002; TOPMed 0.00003.
gnomAD v4.1: 28 of 1,614,158 alleles (0.0017%); highest among the groups gnomAD compares: East Asian, 0.047%; no homozygotes.

Submission:

Labcorp Genetics (formerly Invitae), Labcorp
Classification: Uncertain significance. Last evaluated: 2025-06-30. Review status: criteria provided, single submitter. Criteria: Invitae Variant Classification Sherloc (09022015). Collection method: clinical testing. Allele origin: germline.
Comment: This sequence change replaces valine, which is neutral and non-polar, with phenylalanine, which is neutral and non-polar, at codon 389 of the MYO5B protein (p.Val389Phe). This variant is present in population databases (rs781404633, gnomAD 0.05%). This variant has not been reported in the literature in individuals affected with MYO5B-related conditions. ClinVar contains an entry for this variant (Variation ID: 1379758). Invitae Evidence Modeling of protein sequence and biophysical properties (such as structural, functional, and spatial information, amino acid conservation, physicochemical variation, residue mobility, and thermodynamic stability) indicates that this missense variant is not expected to disrupt MYO5B protein function with a negative predictive value of 80%. In summary, the available evidence is currently insufficient to determine the role of this variant in disease. Therefore, it has been classified as a Variant of Uncertain Significance.

NM_001080467.3(MYO5B):c.1165G>T (p.Val389Phe)

Gene: MYO5B (myosin VB; minus strand). Cytogenetic location: 18q21.1.
Variant type: single nucleotide variant.
Coding change: c.1165G>T on transcript NM_001080467.3 (MANE Select); coding-DNA position 1165, G replaced by T.
Protein change: p.Val389Phe; replaces valine 389 with phenylalanine.
Molecular consequence: missense variant.
Genome position (GRCh38, 1-based): chr18:49,974,507, C>A on the plus strand (G>T on the coding strand, the complement: MYO5B is on the minus strand). VCF-style: chr18-49974507-C-A. GRCh37 (hg19) VCF-style: chr18-47500877-C-A.
Other names: short protein forms V389F.
Identifiers: ClinVar variation 1379758 (VCV001379758.8), dbSNP rs781404633, ClinGen allele CA8961623.